The following is an entry in ClinVar:

NM_144988.4(ALG14):c.551C>G (p.Ser184Cys)

Gene: ALG14 (ALG14 UDP-N-acetylglucosaminyltransferase subunit; minus strand). Cytogenetic location: 1p21.3.
Variant type: single nucleotide variant.
Coding change: c.551C>G on transcript NM_144988.4 (MANE Select); coding-DNA position 551, C replaced by G.
Protein change: p.Ser184Cys; replaces serine 184 with cysteine.
Molecular consequence: missense variant. On other transcripts: 3 prime UTR variant (1), non-coding transcript variant (1).
Genome position (GRCh38, 1-based): chr1:94,983,176, G>C on the plus strand (C>G on the coding strand, the complement: ALG14 is on the minus strand). VCF-style: chr1-94983176-G-C. GRCh37 (hg19) VCF-style: chr1-95448732-G-C.
Other names: c.*120C>G (NM_001305242.2); short protein forms S184C.
Identifiers: ClinVar variation 1423184 (VCV001423184.8), dbSNP rs2100709015, ClinGen allele CA341364457.
Genomic context (GRCh38, chr1:94,983,176, plus strand): 5'-TCTTTCAGAGCCGGCCACTGAACAATGAAGTAATCTGAGAGATGAAACAGAATCTTTCCG[G>C]ACATGGATAACGTTTCTACACGGCAGATGCTTTCAACGTAGACAATGATCACTTTCTTTA-3'
Protein context (NP_659425.1, residues 174-194): SICRVETLSM[Ser184Cys]GKILFHLSDY

ClinVar aggregate classification (germline): Uncertain significance (1 of 4 stars; one submission).

Conditions:
Congenital myasthenic syndrome 15. Also called: Myasthenic syndrome, congenital, 15, without tubular aggregates. Identifiers: Orphanet 353327, Orphanet 590, MedGen C4015596, MONDO:0014542, OMIM 616227.

Submission:

Labcorp Genetics (formerly Invitae), Labcorp
Classification: Uncertain significance for Congenital myasthenic syndrome 15. Last evaluated: 2023-12-11. Review status: criteria provided, single submitter. Criteria: Invitae Variant Classification Sherloc (09022015). Collection method: clinical testing. Allele origin: germline.
Comment: This sequence change replaces serine, which is neutral and polar, with cysteine, which is neutral and slightly polar, at codon 184 of the ALG14 protein (p.Ser184Cys). This variant is not present in population databases (gnomAD no frequency). This variant has not been reported in the literature in individuals affected with ALG14-related conditions. ClinVar contains an entry for this variant (Variation ID: 1423184). An algorithm developed to predict the effect of missense changes on protein structure and function (PolyPhen-2) suggests that this variant is likely to be disruptive. In summary, the available evidence is currently insufficient to determine the role of this variant in disease. Therefore, it has been classified as a Variant of Uncertain Significance.